The following is an entry in ClinVar:

ClinVar aggregate classification (germline): Uncertain significance (1 of 4 stars; one submission).

Conditions:
Inborn genetic diseases. Identifiers: MedGen C0950123, MeSH D030342.

gnomAD v4.1: 1 of 1,551,580 alleles (0.000064%); highest among the groups gnomAD compares: Admixed American, 0.002%; no homozygotes.

Submission:

Ambry Genetics
Classification: Uncertain significance for Inborn genetic diseases. Last evaluated: 2026-01-18. Review status: criteria provided, single submitter. Criteria: Ambry Variant Classification Scheme 2023. Collection method: clinical testing. Allele origin: germline.
Comment: The p.A646V variant (also known as c.1937C>T), located in coding exon 22 of the FANCA gene, results from a C to T substitution at nucleotide position 1937. The alanine at codon 646 is replaced by valine, an amino acid with similar properties. This amino acid position is conserved. In addition, this alteration is predicted to be tolerated by in silico analysis. Based on the available evidence, the clinical significance of this variant remains unclear.

NM_000135.4(FANCA):c.1937C>T (p.Ala646Val)

Gene: FANCA (FA complementation group A; minus strand). Cytogenetic location: 16q24.3.
Variant type: single nucleotide variant.
Coding change: c.1937C>T on transcript NM_000135.4 (MANE Select); coding-DNA position 1937, C replaced by T.
Protein change: p.Ala646Val; replaces alanine 646 with valine.
Molecular consequence: missense variant.
Genome position (GRCh38, 1-based): chr16:89,773,348, G>A on the plus strand (C>T on the coding strand, the complement: FANCA is on the minus strand). VCF-style: chr16-89773348-G-A. GRCh37 (hg19) VCF-style: chr16-89839756-G-A.
Other names: c.1937C>T, p.Ala646Val (NM_001286167.3); short protein forms A646V.
Identifiers: ClinVar variation 4824578 (VCV004824578.1).
Genomic context (GRCh38, chr16:89,773,348, plus strand): 5'-TCTGTCATGGAGGCTCTCAGCTCTCCCAGTGCAGCTGTGAGCTGTCCCAGGGGCTCCTCA[G>A]CAGAGTTGGGTTCTGCCCTCACTCCCAGGGCTGCATCTGTGAGAAGAAGGAAGAAACCAG-3'
Protein context (NP_000126.2, residues 636-656): ALGVRAEPNS[Ala646Val]EEPLGQLTAA